The following is an entry in ClinVar:

ClinVar aggregate classification (germline): Conflicting classifications of pathogenicity. Review status: criteria provided, conflicting classifications (1 of 4 stars). 10 submissions from 10 submitters: Uncertain significance (1); Likely benign (7). 2 of the submissions do not count toward it. Last evaluated 2026-08-01.

Conditions:
Immunodeficiency, common variable, 7. Identifiers: Orphanet 1572, Orphanet 696894, MedGen C3542922, MONDO:0013862, OMIM 614699.

Allele frequency attached by ClinVar (database versions not stated): 1000 Genomes Project 0.00200; 1000 Genomes Project 30x 0.00219; gnomAD 0.00319 and 0.00333; TOPMed 0.00332; gnomAD exomes 0.00334; ExAC 0.00342; ESP Exome Variant Server 0.00515.
gnomAD v4.1: 7,950 of 1,612,780 alleles (0.49%); highest among the groups gnomAD compares: South Asian, 0.69%; 32 homozygotes.

Submissions (10):

CeGaT Center for Human Genetics Tuebingen
Classification: Likely benign. Last evaluated: 2026-08-01. Review status: criteria provided, single submitter. Criteria: CeGaT Center For Human Genetics Tuebingen Variant Classification Criteria Version 2. Collection method: clinical testing. Allele origin: germline. Affected: yes. Observed: 18 variant alleles.
Comment: CR2: BP4, BS2

Women's Health and Genetics/Laboratory Corporation of America, LabCorp
Classification: Likely benign. Last evaluated: 2026-02-06. Review status: criteria provided, single submitter. Criteria: LabCorp Variant Classification Summary - May 2015. Collection method: clinical testing. Allele origin: germline.
Comment: Variant summary: CR2 c.2611G>T (p.Val871Leu) results in a conservative amino acid change in the encoded protein sequence. Algorithms developed to predict the effect of missense changes on protein structure and function all suggest that this variant is likely to be tolerated. The variant allele was found at a frequency of 0.0033 in 249514 control chromosomes, predominantly at a frequency of 0.0066 within the South Asian subpopulation in the gnomAD database, including 3 homozygotes. The observed variant frequency within South Asian control individuals in the gnomAD database exceeds the estimated maximal expected allele frequency for disease-causing variants in CR2. c.2611G>T has been observed in individuals affected with common variable immune deficiency-7 without clear evidence for causality (de Valles-Ibez_2018, Bendapudi_2024). These report(s) do not provide unequivocal conclusions about association of the variant with common variable immune deficiency-7. To our knowledge, no experimental evidence demonstrating an impact on protein function has been reported. The following publications have been ascertained in the context of this evaluation (PMID: 38096369, 29867916). ClinVar contains an entry for this variant (Variation ID: 439554). Based on the evidence outlined above, the variant was classified as likely benign.

Labcorp Genetics (formerly Invitae), Labcorp
Classification: Likely benign for Immunodeficiency, common variable, 7. Last evaluated: 2026-02-04. Review status: criteria provided, single submitter. Criteria: Invitae Variant Classification Sherloc (09022015). Collection method: clinical testing. Allele origin: germline.

Mayo Clinic Laboratories, Mayo Clinic
Classification: Likely benign. Last evaluated: 2025-10-02. Review status: criteria provided, single submitter. Criteria: ACMG Guidelines, 2015. Collection method: clinical testing. Allele origin: germline. Observed: 1 variant allele.
Comment: BS1, BP4_moderate

ARUP Laboratories, Molecular Genetics and Genomics, ARUP Laboratories
Classification: Likely benign. Last evaluated: 2025-03-28. Review status: criteria provided, single submitter. Criteria: ARUP Molecular Germline Variant Investigation Process 2024. Collection method: clinical testing. Allele origin: germline.

Blueprint Genetics
Classification: Uncertain significance. Last evaluated: 2024-11-22. Review status: criteria provided, single submitter. Criteria: ACMG Guidelines, 2015. Collection method: clinical testing. Allele origin: germline.

Genome-Nilou Lab
Classification: Likely benign for Immunodeficiency, common variable, 7. Last evaluated: 2023-04-11. Review status: criteria provided, single submitter. Criteria: ACMG Guidelines, 2015. Collection method: clinical testing. Allele origin: germline. Affected: no.

Breakthrough Genomics
Classification: Likely benign. Review status: criteria provided, single submitter. Criteria: ACMG Guidelines, 2015. Collection method: not provided. Allele origin: germline. Inheritance: Autosomal recessive inheritance. Affected: yes.

Clinical Genetics DNA and cytogenetics Diagnostics Lab, Erasmus MC, Erasmus Medical Center
Classification: Likely benign. Review status: no assertion criteria provided. Collection method: clinical testing. Allele origin: germline. Affected: yes. Study: VKGL Data-share Consensus. Not counted in ClinVar's aggregate classification.

Genome Diagnostics Laboratory, University Medical Center Utrecht
Classification: Likely benign. Review status: no assertion criteria provided. Collection method: clinical testing. Allele origin: germline. Affected: yes. Study: VKGL Data-share Consensus. Not counted in ClinVar's aggregate classification.

Literature cited by the submitters: PubMed 29867916 (cited by Women's Health and Genetics/Laboratory Corporation of America, LabCorp); PubMed 38096369 (cited by Women's Health and Genetics/Laboratory Corporation of America, LabCorp and Mayo Clinic Laboratories, Mayo Clinic).

NM_001006658.3(CR2):c.2611G>T (p.Val871Leu)

Gene: CR2 (complement C3d receptor 2; plus strand). Cytogenetic location: 1q32.2.
Variant type: single nucleotide variant.
Coding change: c.2611G>T on transcript NM_001006658.3 (MANE Select); coding-DNA position 2611, G replaced by T.
Protein change: p.Val871Leu; replaces valine 871 with leucine.
Molecular consequence: missense variant.
Genome position (GRCh38, 1-based): chr1:207,475,111, G>T. VCF-style: chr1-207475111-G-T. GRCh37 (hg19) VCF-style: chr1-207648456-G-T.
Other names: c.2434G>T, p.Val812Leu (NM_001877.5); short protein forms V871L, V812L.
Identifiers: ClinVar variation 439554 (VCV000439554.67), dbSNP rs144572703, ClinGen allele CA1369012.